The following is an entry in ClinVar:

NM_000089.4(COL1A2):c.3094C>T (p.Pro1032Ser)

Gene: COL1A2 (collagen type I alpha 2 chain; plus strand). Cytogenetic location: 7q21.3.
Variant type: single nucleotide variant.
Coding change: c.3094C>T on transcript NM_000089.4 (MANE Select); coding-DNA position 3094, C replaced by T.
Protein change: p.Pro1032Ser; replaces proline 1032 with serine.
Molecular consequence: missense variant.
Genome position (GRCh38, 1-based): chr7:94,426,519, C>T. VCF-style: chr7-94426519-C-T. GRCh37 (hg19) VCF-style: chr7-94055831-C-T.
Other names: short protein forms P1032S.
Identifiers: ClinVar variation 4783367 (VCV004783367.1).

ClinVar aggregate classification (germline): Uncertain significance (1 of 4 stars; one submission).

Conditions:
Ehlers-Danlos syndrome, classic type, 1 (EDSCL1). Also called: EHLERS-DANLOS SYNDROME, GRAVIS TYPE; EHLERS-DANLOS SYNDROME, SEVERE CLASSIC TYPE; Ehlers-Danlos syndrome, type 1; Ehlers-Danlos Syndrome, Classic Type, COL5A1-Related; EDS I. Identifiers: MedGen C0268335, MONDO:0019567, OMIM 130000.
Osteogenesis imperfecta type I (OI1). Also called: OI, TYPE I; OSTEOGENESIS IMPERFECTA TARDA; OSTEOGENESIS IMPERFECTA WITH BLUE SCLERAE; Osteogenesis imperfecta type 1; Lobstein's Disease; Lobstein disease. Identifiers: Orphanet 216796, Orphanet 666, MedGen C0023931, MONDO:0008146, OMIM 166200. Disease mechanism: loss of function.

Submission:

Labcorp Genetics (formerly Invitae), Labcorp
Classification: Uncertain significance for Osteogenesis imperfecta type I; Ehlers-Danlos syndrome, classic type, 1. Last evaluated: 2025-11-21. Review status: criteria provided, single submitter. Criteria: Invitae Variant Classification Sherloc (09022015). Collection method: clinical testing. Allele origin: germline.
Comment: This sequence change replaces proline, which is neutral and non-polar, with serine, which is neutral and polar, at codon 1032 of the COL1A2 protein (p.Pro1032Ser). This variant is not present in population databases (gnomAD no frequency). This variant has not been reported in the literature in individuals affected with COL1A2-related conditions. Invitae Evidence Modeling of protein sequence and biophysical properties (such as structural, functional, and spatial information, amino acid conservation, physicochemical variation, residue mobility, and thermodynamic stability) has been performed for this missense variant. However, the output from this modeling did not meet the statistical confidence thresholds required to predict the impact of this variant on COL1A2 protein function. Algorithms developed to predict the effect of sequence changes on RNA splicing suggest that this variant may create or strengthen a splice site. In summary, the available evidence is currently insufficient to determine the role of this variant in disease. Therefore, it has been classified as a Variant of Uncertain Significance.